The following is an entry in ClinVar:

NM_000434.4(NEU1):c.362G>A (p.Trp121Ter)

Gene: NEU1 (neuraminidase 1; minus strand). Cytogenetic location: 6p21.33.
Variant type: single nucleotide variant.
Coding change: c.362G>A on transcript NM_000434.4 (MANE Select); coding-DNA position 362, G replaced by A.
Protein change: p.Trp121Ter; replaces tryptophan 121 with a stop codon.
Molecular consequence: nonsense.
Genome position (GRCh38, 1-based): chr6:31,861,441, C>T on the plus strand (G>A on the coding strand, the complement: NEU1 is on the minus strand). VCF-style: chr6-31861441-C-T. GRCh37 (hg19) VCF-style: chr6-31829218-C-T.
Other names: short protein forms W121*.
Identifiers: ClinVar variation 2864480 (VCV002864480.3), dbSNP rs2481403672, ClinGen allele CA363495206.

ClinVar aggregate classification (germline): Pathogenic (1 of 4 stars; one submission).

Submission:

Labcorp Genetics (formerly Invitae), Labcorp
Classification: Pathogenic. Last evaluated: 2023-05-15. Review status: criteria provided, single submitter. Criteria: Invitae Variant Classification Sherloc (09022015). Collection method: clinical testing. Allele origin: germline.
Comment: This sequence change creates a premature translational stop signal (p.Trp121*) in the NEU1 gene. It is expected to result in an absent or disrupted protein product. Loss-of-function variants in NEU1 are known to be pathogenic (PMID: 11063730, 14517945). This variant is not present in population databases (gnomAD no frequency). For these reasons, this variant has been classified as Pathogenic. This variant has not been reported in the literature in individuals affected with NEU1-related conditions.

Literature cited by the submitters: PubMed 11063730; PubMed 14517945.